The following is an entry in ClinVar:

NM_000179.3(MSH6):c.3700_3702dup (p.Glu1234_Leu1235insGlu)

Gene: MSH6 (mutS homolog 6; plus strand). Cytogenetic location: 2p16.3.
Variant type: Duplication.
Coding change: c.3700_3702dup on transcript NM_000179.3 (MANE Select); coding-DNA positions 3700 to 3702, 3 bases duplicated (GAA; older notation c.3700_3702dupGAA).
Protein change: p.Glu1234_Leu1235insGlu.
Molecular consequence: inframe insertion. On other transcripts: inframe indel (39).
Genome position (GRCh38, 1-based): chr2:47,806,257-47,806,259, GAA duplicated; duplicating any 3 consecutive bases within chr2:47,806,255-47,806,259 gives the same sequence; the c. name uses the placement nearest the transcript's 3' end. VCF-style (leftmost placement, unchanged base first): chr2-47806254-A-AAAG. GRCh37 (hg19) VCF-style: chr2-48033393-A-AAAG.
Other names: c.3310_3312dup, p.Glu1104_Leu1105insGlu (NM_001281492.2); c.2794_2796dup, p.Glu932_Leu933insGlu (NM_001281493.2, NM_001281494.2, NM_001406811.1 and 6 more transcripts); c.3796_3798dup, p.Glu1266_Leu1267insGlu (NM_001406795.1, NM_001406802.1); c.3700_3702dup, p.Glu1234_Leu1235insGlu (NM_001406796.1, NM_001406800.1, NM_001406808.1 and 1 more transcripts); c.3403_3405dup, p.Glu1135_Leu1136insGlu (NM_001406797.1, NM_001406801.1, NM_001406805.1 and 10 more transcripts); c.3526_3528dup, p.Glu1176_Leu1177insGlu (NM_001406798.1); c.3175_3177dup, p.Glu1059_Leu1060insGlu (NM_001406799.1, NM_001406806.1, NM_001406807.1); c.2836_2838dup, p.Glu946_Leu947insGlu (NM_001406803.1); and 8 more.
Identifiers: ClinVar variation 1734099 (VCV001734099.3), dbSNP rs2530840671, ClinGen allele CA2580067290.

ClinVar aggregate classification (germline): Uncertain significance. Review status: criteria provided, multiple submitters, no conflicts (2 of 4 stars). 2 submissions from 2 submitters: Uncertain significance (2). Last evaluated 2025-07-08.

Conditions:
Hereditary nonpolyposis colorectal neoplasms. Identifiers: MedGen C0009405, MeSH D003123.
Hereditary cancer-predisposing syndrome. Also called: Neoplastic Syndromes, Hereditary; Tumor predisposition; Hereditary Cancer Syndrome; Hereditary neoplastic syndrome. Identifiers: Orphanet 140162, MedGen C0027672, MeSH D009386, MONDO:0015356.

Submissions (2):

Labcorp Genetics (formerly Invitae), Labcorp
Classification: Uncertain significance for Hereditary nonpolyposis colorectal neoplasms. Last evaluated: 2025-07-08. Review status: criteria provided, single submitter. Criteria: Invitae Variant Classification Sherloc (09022015). Collection method: clinical testing. Allele origin: germline.
Comment: This variant, c.3700_3702dup, results in the insertion of 1 amino acid(s) of the MSH6 protein (p.Glu1234dup), but otherwise preserves the integrity of the reading frame. This variant is not present in population databases (gnomAD no frequency). This variant has not been reported in the literature in individuals affected with MSH6-related conditions. ClinVar contains an entry for this variant (Variation ID: 1734099). In summary, the available evidence is currently insufficient to determine the role of this variant in disease. Therefore, it has been classified as a Variant of Uncertain Significance.

Ambry Genetics
Classification: Uncertain significance for Hereditary cancer-predisposing syndrome. Last evaluated: 2021-12-09. Review status: criteria provided, single submitter. Criteria: Ambry Variant Classification Scheme 2023. Collection method: clinical testing. Allele origin: germline.
Comment: The c.3700_3702dupGAA variant (also known as p.E1234dup), located in coding exon 8 of the MSH6 gene, results from an in-frame duplication of GAA at nucleotide positions 3700 to 3702. This results in the duplication of an extra residue between codons 1234 and 1235. This amino acid position is highly conserved in available vertebrate species. Since supporting evidence is limited at this time, the clinical significance of this alteration remains unclear.